The following is an entry in ClinVar:

ClinVar aggregate classification (germline): Uncertain significance (1 of 4 stars; one submission).

Conditions:
Alagille syndrome due to a JAG1 point mutation. Also called: HEPATIC DUCTULAR HYPOPLASIA, SYNDROMATIC; Alagille Syndrome 1; JAG1-Related Alagille Syndrome. Identifiers: Orphanet 261619, Orphanet 52, MedGen C1956125, MONDO:0016862, OMIM 118450.

Submission:

Labcorp Genetics (formerly Invitae), Labcorp
Classification: Uncertain significance for Alagille syndrome due to a JAG1 point mutation. Last evaluated: 2022-08-27. Review status: criteria provided, single submitter. Criteria: Invitae Variant Classification Sherloc (09022015). Collection method: clinical testing. Allele origin: germline.
Comment: This variant has not been reported in the literature in individuals affected with JAG1-related conditions. This variant is not present in population databases (gnomAD no frequency). This sequence change replaces tyrosine, which is neutral and polar, with histidine, which is basic and polar, at codon 999 of the JAG1 protein (p.Tyr999His). In summary, the available evidence is currently insufficient to determine the role of this variant in disease. Therefore, it has been classified as a Variant of Uncertain Significance. Advanced modeling of protein sequence and biophysical properties (such as structural, functional, and spatial information, amino acid conservation, physicochemical variation, residue mobility, and thermodynamic stability) performed at Invitae indicates that this missense variant is not expected to disrupt JAG1 protein function.

NM_000214.3(JAG1):c.2995T>C (p.Tyr999His)

Gene: JAG1 (jagged canonical Notch ligand 1; minus strand). Cytogenetic location: 20p12.2.
Variant type: single nucleotide variant.
Coding change: c.2995T>C on transcript NM_000214.3 (MANE Select); coding-DNA position 2995, T replaced by C.
Protein change: p.Tyr999His; replaces tyrosine 999 with histidine.
Molecular consequence: missense variant.
Genome position (GRCh38, 1-based): chr20:10,641,166, A>G on the plus strand (T>C on the coding strand, the complement: JAG1 is on the minus strand). VCF-style: chr20-10641166-A-G. GRCh37 (hg19) VCF-style: chr20-10621814-A-G.
Other names: short protein forms Y999H.
Identifiers: ClinVar variation 1718167 (VCV001718167.5), dbSNP rs2514508378, ClinGen allele CA408244496.
Genomic context (GRCh38, chr20:10,641,166, plus strand): 5'-TACTTACAATGGCCACATGTATTTCATTGTTCGCTGAAGGGGAAGGCTCGCAAGCGATGT[A>G]GATTGAATATTCAGCGGAAACATTCTTCAAAATATTCAAATTCCTCAATTCACTGCAAAT-3'
Protein context (NP_000205.1, residues 989-1009): LKNVSAEYSI[Tyr999His]IACEPSPSAN